The following is an entry in ClinVar:

ClinVar aggregate classification (germline): Uncertain significance (1 of 4 stars; one submission).

Conditions:
Van Maldergem syndrome 1 (VMLDS1). Also called: Van Maldergem syndrome 1 (VMLDS1). Identifiers: Orphanet 314679, MedGen C4551950, MONDO:0011070, OMIM 601390.

Submission:

Institute of Human Genetics, University of Leipzig Medical Center
Classification: Uncertain significance for Van Maldergem syndrome 1. Last evaluated: 2023-12-10. Review status: criteria provided, single submitter. Criteria: ACMG Guidelines, 2015. Collection method: clinical testing. Allele origin: unknown. Inheritance: Autosomal recessive inheritance. Affected: yes.
Comment: Criteria applied: PM2_SUP

NM_003737.4(DCHS1):c.4787C>T (p.Ser1596Leu)

Gene: DCHS1 (dachsous cadherin-related 1; minus strand). Cytogenetic location: 11p15.4.
Variant type: single nucleotide variant.
Coding change: c.4787C>T on transcript NM_003737.4 (MANE Select); coding-DNA position 4787, C replaced by T.
Protein change: p.Ser1596Leu; replaces serine 1596 with leucine.
Molecular consequence: missense variant.
Genome position (GRCh38, 1-based): chr11:6,630,007, G>A on the plus strand (C>T on the coding strand, the complement: DCHS1 is on the minus strand). VCF-style: chr11-6630007-G-A. GRCh37 (hg19) VCF-style: chr11-6651238-G-A.
Other names: short protein forms S1596L.
Identifiers: ClinVar variation 2691879 (VCV002691879.2), dbSNP rs780376517, ClinGen allele CA379399608.